The following is an entry in ClinVar:

ClinVar aggregate classification (germline): Uncertain significance. Review status: criteria provided, multiple submitters, no conflicts (2 of 4 stars). 4 submissions from 4 submitters: Uncertain significance (4). Last evaluated 2025-10-01.

Conditions:
Left ventricular noncompaction 8 (LVNC8). Identifiers: Orphanet 154, Orphanet 54260, MedGen C3809288, MONDO:0014152, OMIM 615373.

Allele frequency attached by ClinVar (database versions not stated): TOPMed 0.00002; gnomAD exomes 0.00002 and 0.00001; ExAC 0.00002; gnomAD 0.00001.
gnomAD v4.1: 14 of 1,610,716 alleles (0.00087%); highest among the groups gnomAD compares: Admixed American, 0.005%; no homozygotes.

Submissions (4):

Labcorp Genetics (formerly Invitae), Labcorp
Classification: Uncertain significance for Left ventricular noncompaction 8. Last evaluated: 2025-10-01. Review status: criteria provided, single submitter. Criteria: Invitae Variant Classification Sherloc (09022015). Collection method: clinical testing. Allele origin: germline.
Comment: This sequence change replaces alanine, which is neutral and non-polar, with threonine, which is neutral and polar, at codon 545 of the PRDM16 protein (p.Ala545Thr). This variant is present in population databases (rs763268700, gnomAD 0.006%). This variant has not been reported in the literature in individuals affected with PRDM16-related conditions. ClinVar contains an entry for this variant (Variation ID: 1194008). An algorithm developed to predict the effect of missense changes on protein structure and function (PolyPhen-2) suggests that this variant is likely to be tolerated. In summary, the available evidence is currently insufficient to determine the role of this variant in disease. Therefore, it has been classified as a Variant of Uncertain Significance.

Victorian Clinical Genetics Services, Murdoch Childrens Research Institute
Classification: Uncertain significance for Left ventricular noncompaction 8. Last evaluated: 2024-10-07. Review status: criteria provided, single submitter. Criteria: ACMG Guidelines, 2015. Collection method: clinical testing. Allele origin: germline. Affected: yes.
Comment: This variant is classified as VUS-3C. Evidence in support of pathogenic classification: Variant is present in gnomAD <0.001 for a dominant condition (v4: 16 heterozygote(s), 0 homozygote(s)). Evidence in support of benign classification: Missense variant consistently predicted to be tolerated by in silico tool or not conserved in placental mammals with a minor amino acid change. Additional information: Variant is predicted to result in a missense amino acid change from alanine to threonine; This variant is heterozygous; This gene is associated with autosomal dominant disease; Previous evidence of pathogenicity for this variant is inconclusive. This variant has been reported as a VUS twice in clinvar and in an individual with noncompaction cardiomyopathy (PMID: 29447731); No published segregation evidence has been identified for this variant; No published functional evidence has been identified for this variant; Another missense variant comparable to the one identified in this case has inconclusive previous evidence for pathogenicity. p.(Ala545Val) has been reported once as a VUS (ClinVar); Variant is not located in an established domain, motif, hotspot or informative constraint region; Loss of function is a known mechanism of disease in this gene and is associated with dilated cardiomyopathy, 1LL (MM#615373) and left ventricular noncompaction 8 (MIM#615373). - Inheritance information for this variant is not currently available in this individual.

Fulgent Genetics
Classification: Uncertain significance for Left ventricular noncompaction 8. Last evaluated: 2021-11-03. Review status: criteria provided, single submitter. Criteria: ACMG Guidelines, 2015. Collection method: clinical testing. Allele origin: unknown.

GeneDx
Classification: Uncertain significance. Last evaluated: 2021-03-24. Review status: criteria provided, single submitter. Criteria: GeneDx Variant Classification Process June 2021. Collection method: clinical testing. Allele origin: germline. Affected: yes.
Comment: Has not been previously published as pathogenic or benign to our knowledge; Not observed at a significant frequency in large population cohorts (Lek et al., 2016); In silico analysis supports that this missense variant does not alter protein structure/function

Literature cited by the submitters: PubMed 29447731 (cited by Victorian Clinical Genetics Services, Murdoch Childrens Research Institute).

NM_022114.4(PRDM16):c.1633G>A (p.Ala545Thr)

Gene: PRDM16 (PR/SET domain 16; plus strand). Cytogenetic location: 1p36.32.
Variant type: single nucleotide variant.
Coding change: c.1633G>A on transcript NM_022114.4 (MANE Select); coding-DNA position 1633, G replaced by A.
Protein change: p.Ala545Thr; replaces alanine 545 with threonine.
Molecular consequence: missense variant.
Genome position (GRCh38, 1-based): chr1:3,411,830, G>A. VCF-style: chr1-3411830-G-A. GRCh37 (hg19) VCF-style: chr1-3328394-G-A.
Other names: c.1633G>A, p.Ala545Thr (NM_199454.3); short protein forms A545T.
Identifiers: ClinVar variation 1194008 (VCV001194008.13), dbSNP rs763268700, ClinGen allele CA544241.